The following is an entry in ClinVar:

NM_182919.4(TICAM1):c.718C>T (p.Pro240Ser)

Gene: TICAM1 (TIR domain containing adaptor molecule 1; minus strand). Cytogenetic location: 19p13.3.
Variant type: single nucleotide variant.
Coding change: c.718C>T on transcript NM_182919.4 (MANE Select); coding-DNA position 718, C replaced by T.
Protein change: p.Pro240Ser; replaces proline 240 with serine.
Molecular consequence: missense variant.
Genome position (GRCh38, 1-based): chr19:4,817,660, G>A on the plus strand (C>T on the coding strand, the complement: TICAM1 is on the minus strand). VCF-style: chr19-4817660-G-A. GRCh37 (hg19) VCF-style: chr19-4817672-G-A.
Other names: c.718C>T (NM_182919.2); c.676C>T, p.Pro226Ser (NM_001385678.1); c.583C>T, p.Pro195Ser (NM_001385679.1); c.76C>T, p.Pro26Ser (NM_001385680.1); short protein forms P240S, P195S, P226S, P26S.
Identifiers: ClinVar variation 647981 (VCV000647981.8), dbSNP rs201853120, ClinGen allele CA9105295.

ClinVar aggregate classification (germline): Uncertain significance. Review status: criteria provided, multiple submitters, no conflicts (2 of 4 stars). 2 submissions from 2 submitters: Uncertain significance (2). Last evaluated 2023-10-20.

Conditions:
Encephalopathy, acute, infection-induced (herpes-specific), susceptibility to, 6. Also called: Herpes simplex encephalitis, susceptibility to, 4. Identifiers: Orphanet 1930, MedGen C3553869, MONDO:0013921, OMIM 614850.

Allele frequency attached by ClinVar (database versions not stated): ExAC 0.00005; ESP Exome Variant Server 0.00031; gnomAD 0.00015 and 0.00014; TOPMed 0.00017; 1000 Genomes Project 0.00020; gnomAD exomes 0.00004 and 0.00005; 1000 Genomes Project 30x 0.00031.

Submissions (2):

Ambry Genetics
Classification: Uncertain significance. Last evaluated: 2023-10-20. Review status: criteria provided, single submitter. Criteria: Ambry Variant Classification Scheme 2023. Collection method: clinical testing. Allele origin: germline.

Labcorp Genetics (formerly Invitae), Labcorp
Classification: Uncertain significance for Encephalopathy, acute, infection-induced (herpes-specific), susceptibility to, 6. Last evaluated: 2021-02-01. Review status: criteria provided, single submitter. Criteria: Invitae Variant Classification Sherloc (09022015). Collection method: clinical testing. Allele origin: germline.
Comment: In summary, the available evidence is currently insufficient to determine the role of this variant in disease. Therefore, it has been classified as a Variant of Uncertain Significance. Algorithms developed to predict the effect of missense changes on protein structure and function output the following: SIFT: "Tolerated"; PolyPhen-2: "Benign"; Align-GVGD: "Class C0". The serine amino acid residue is found in multiple mammalian species, suggesting that this missense change does not adversely affect protein function. These predictions have not been confirmed by published functional studies and their clinical significance is uncertain. This variant has not been reported in the literature in individuals with TICAM1-related disease. This variant is present in population databases (rs201853120, ExAC 0.06%). This sequence change replaces proline with serine at codon 240 of the TICAM1 protein (p.Pro240Ser). The proline residue is weakly conserved and there is a moderate physicochemical difference between proline and serine.